The following is an entry in ClinVar:

ClinVar aggregate classification (germline): Uncertain significance (1 of 4 stars; one submission).

Submission:

Labcorp Genetics (formerly Invitae), Labcorp
Classification: Uncertain significance. Last evaluated: 2025-05-03. Review status: criteria provided, single submitter. Criteria: Invitae Variant Classification Sherloc (09022015). Collection method: clinical testing. Allele origin: germline.
Comment: This sequence change replaces valine, which is neutral and non-polar, with methionine, which is neutral and non-polar, at codon 303 of the BMP2 protein (p.Val303Met). The frequency data for this variant in the population databases is considered unreliable, as metrics indicate poor data quality at this position in the gnomAD database. This variant has not been reported in the literature in individuals affected with BMP2-related conditions. An algorithm developed to predict the effect of missense changes on protein structure and function (PolyPhen-2) suggests that this variant is likely to be disruptive. In summary, the available evidence is currently insufficient to determine the role of this variant in disease. Therefore, it has been classified as a Variant of Uncertain Significance.

NM_001200.4(BMP2):c.907G>A (p.Val303Met)

Gene: BMP2 (bone morphogenetic protein 2; plus strand). Cytogenetic location: 20p12.3.
Variant type: single nucleotide variant.
Coding change: c.907G>A on transcript NM_001200.4 (MANE Select); coding-DNA position 907, G replaced by A.
Protein change: p.Val303Met; replaces valine 303 with methionine.
Molecular consequence: missense variant.
Genome position (GRCh38, 1-based): chr20:6,778,805, G>A. VCF-style: chr20-6778805-G-A. GRCh37 (hg19) VCF-style: chr20-6759452-G-A.
Other names: short protein forms V303M.
Identifiers: ClinVar variation 4754261 (VCV004754261.1).